The following is an entry in ClinVar:

ClinVar aggregate classification (germline): Uncertain significance (1 of 4 stars; one submission).

Allele frequency attached by ClinVar (database versions not stated): gnomAD exomes below 0.00001.

Submission:

GeneDx
Classification: Uncertain significance. Last evaluated: 2024-09-05. Review status: criteria provided, single submitter. Criteria: GeneDx Variant Classification Process June 2021. Collection method: clinical testing. Allele origin: germline. Affected: yes.
Comment: Not observed at significant frequency in large population cohorts (gnomAD); In silico analysis indicates that this missense variant does not alter protein structure/function; Has not been previously published as pathogenic or benign to our knowledge

NM_000240.4(MAOA):c.1496C>G (p.Ser499Cys)

Gene: MAOA (monoamine oxidase A; plus strand). Cytogenetic location: Xp11.3.
Variant type: single nucleotide variant.
Coding change: c.1496C>G on transcript NM_000240.4 (MANE Select); coding-DNA position 1496, C replaced by G.
Protein change: p.Ser499Cys; replaces serine 499 with cysteine.
Molecular consequence: missense variant.
Genome position (GRCh38, 1-based): chrX:43,744,425, C>G. VCF-style: chrX-43744425-C-G. GRCh37 (hg19) VCF-style: chrX-43603672-C-G.
Other names: c.1097C>G, p.Ser366Cys (NM_001270458.2); short protein forms S366C, S499C.
Identifiers: ClinVar variation 2574410 (VCV002574410.4), dbSNP rs2519171400, ClinGen allele CA413011125.
Genomic context (GRCh38, chrX:43,744,425, plus strand): 5'-AGGACGTTCCAGCGGTAGAAATCACCCACACCTTCTGGGAAAGGAACCTGCCCTCTGTTT[C>G]TGGCCTGCTGAAGATCATTGGATTTTCCACATCAGTAACTGCCCTGGGGTTTGTGCTGTA-3'
Protein context (NP_000231.1, residues 489-509): TFWERNLPSV[Ser499Cys]GLLKIIGFST